The following is an entry in ClinVar:

ClinVar aggregate classification (germline): Uncertain significance. Review status: criteria provided, multiple submitters, no conflicts (2 of 4 stars). 2 submissions from 2 submitters: Uncertain significance (2). Last evaluated 2022-06-24.

Conditions:
Alstrom syndrome (ALMS). Identifiers: Orphanet 64, MedGen C0268425, MONDO:0008763, OMIM 203800.

Allele frequency attached by ClinVar (database versions not stated): gnomAD 0.00001; TOPMed 0.00002.
gnomAD v4.1: 1 of 1,613,928 alleles (0.000062%); highest among the groups gnomAD compares: African/African-American, 0.0013%; no homozygotes.

Submissions (2):

GeneDx
Classification: Uncertain significance. Last evaluated: 2022-06-24. Review status: criteria provided, single submitter. Criteria: GeneDx Variant Classification Process June 2021. Collection method: clinical testing. Allele origin: germline. Affected: yes.
Comment: Not observed at significant frequency in large population cohorts (gnomAD); In silico analysis supports that this missense variant does not alter protein structure/function; Has not been previously published as pathogenic or benign to our knowledge

Labcorp Genetics (formerly Invitae), Labcorp
Classification: Uncertain significance for Alstrom syndrome. Last evaluated: 2021-03-07. Review status: criteria provided, single submitter. Criteria: Invitae Variant Classification Sherloc (09022015). Collection method: clinical testing. Allele origin: germline.
Comment: This sequence change replaces glutamic acid with glutamine at codon 3423 of the ALMS1 protein (p.Glu3423Gln). The glutamic acid residue is weakly conserved and there is a small physicochemical difference between glutamic acid and glutamine. This variant is not present in population databases (ExAC no frequency). This variant has not been reported in the literature in individuals with ALMS1-related conditions. Experimental studies and prediction algorithms are not available or were not evaluated, and the functional significance of this variant is currently unknown. In summary, the available evidence is currently insufficient to determine the role of this variant in disease. Therefore, it has been classified as a Variant of Uncertain Significance.

NM_001378454.1(ALMS1):c.10264G>C (p.Glu3422Gln)

Gene: ALMS1 (ALMS1 centrosome and basal body associated protein; plus strand). Cytogenetic location: 2p13.1.
Variant type: single nucleotide variant.
Coding change: c.10264G>C on transcript NM_001378454.1 (MANE Select); coding-DNA position 10264, G replaced by C.
Protein change: p.Glu3422Gln; replaces glutamic acid 3422 with glutamine.
Molecular consequence: missense variant.
Genome position (GRCh38, 1-based): chr2:73,559,022, G>C. VCF-style: chr2-73559022-G-C. GRCh37 (hg19) VCF-style: chr2-73786149-G-C.
Other names: c.10267G>C, p.Glu3423Gln (NM_015120.4); short protein forms E3422Q, E3423Q.
Identifiers: ClinVar variation 1408687 (VCV001408687.4), dbSNP rs1003992652, ClinGen allele CA50376476.